The following is an entry in ClinVar:

NM_022166.4(XYLT1):c.1033A>C (p.Met345Leu)

Gene: XYLT1 (xylosyltransferase 1; minus strand). Cytogenetic location: 16p12.3.
Variant type: single nucleotide variant.
Coding change: c.1033A>C on transcript NM_022166.4 (MANE Select); coding-DNA position 1033, A replaced by C.
Protein change: p.Met345Leu; replaces methionine 345 with leucine.
Molecular consequence: missense variant.
Genome position (GRCh38, 1-based): chr16:17,200,535, T>G on the plus strand (A>C on the coding strand, the complement: XYLT1 is on the minus strand). VCF-style: chr16-17200535-T-G. GRCh37 (hg19) VCF-style: chr16-17294392-T-G.
Other names: short protein forms M345L.
Identifiers: ClinVar variation 2045693 (VCV002045693.1), dbSNP rs561630952, ClinGen allele CA7928039.

ClinVar aggregate classification (germline): Uncertain significance (1 of 4 stars; one submission).

Conditions:
Desbuquois dysplasia 1 (DBQD1). Also called: DESBUQUOIS DYSPLASIA 1, KIM VARIANT; MICROMELIC DWARFISM WITH VERTEBRAL AND METAPHYSEAL ABNORMALITIES AND ADVANCED CARPOTARSAL OSSIFICATION. Identifiers: Orphanet 1425, MedGen C4012146, MONDO:0009629, OMIM 251450.

Allele frequency attached by ClinVar (database versions not stated): ExAC 0.00012; gnomAD 0.00018; TOPMed 0.00020; gnomAD exomes 0.00025.
gnomAD v4.1: 381 of 1,614,052 alleles (0.024%); highest among the groups gnomAD compares: Non-Finnish European, 0.031%; no homozygotes.

Submission:

Labcorp Genetics (formerly Invitae), Labcorp
Classification: Uncertain significance for Desbuquois dysplasia 1. Last evaluated: 2022-10-27. Review status: criteria provided, single submitter. Criteria: Invitae Variant Classification Sherloc (09022015). Collection method: clinical testing. Allele origin: germline.
Comment: This sequence change replaces methionine, which is neutral and non-polar, with leucine, which is neutral and non-polar, at codon 345 of the XYLT1 protein (p.Met345Leu). This variant is present in population databases (rs561630952, gnomAD 0.03%). This variant has not been reported in the literature in individuals affected with XYLT1-related conditions. Algorithms developed to predict the effect of missense changes on protein structure and function (SIFT, PolyPhen-2, Align-GVGD) all suggest that this variant is likely to be tolerated. In summary, the available evidence is currently insufficient to determine the role of this variant in disease. Therefore, it has been classified as a Variant of Uncertain Significance.